The following is an entry in ClinVar:

NM_080473.5(GATA5):c.1066G>A (p.Ala356Thr)

Gene: GATA5 (GATA binding protein 5; minus strand). Cytogenetic location: 20q13.33.
Variant type: single nucleotide variant.
Coding change: c.1066G>A on transcript NM_080473.5 (MANE Select); coding-DNA position 1066, G replaced by A.
Protein change: p.Ala356Thr; replaces alanine 356 with threonine.
Molecular consequence: missense variant.
Genome position (GRCh38, 1-based): chr20:62,464,964, C>T on the plus strand (G>A on the coding strand, the complement: GATA5 is on the minus strand). VCF-style: chr20-62464964-C-T. GRCh37 (hg19) VCF-style: chr20-61040020-C-T.
Other names: short protein forms A356T.
Identifiers: ClinVar variation 3678242 (VCV003678242.2).
Genomic context (GRCh38, chr20:62,464,964, plus strand): 5'-GGGCCGTGGAGGGGAAGGCAAAGTCCTCAGGCTCGAACTTGAACTCCAAGTGGCCGGGGG[C>T]AAGAGAGTCATCCTCCTGGCCAGAGGCCTGCAGGGACAGGAGAGCGTGAGAATGTGGGGT-3'
Protein context (NP_536721.1, residues 346-366): QASGQEDDSL[Ala356Thr]PGHLEFKFEP

ClinVar aggregate classification (germline): Uncertain significance (1 of 4 stars; one submission).

gnomAD v4.1: 3 of 1,455,348 alleles (0.00021%); highest among the groups gnomAD compares: African/African-American, 0.003%; no homozygotes.

Submission:

Labcorp Genetics (formerly Invitae), Labcorp
Classification: Uncertain significance. Last evaluated: 2024-12-10. Review status: criteria provided, single submitter. Criteria: Invitae Variant Classification Sherloc (09022015). Collection method: clinical testing. Allele origin: germline.
Comment: This sequence change replaces alanine, which is neutral and non-polar, with threonine, which is neutral and polar, at codon 356 of the GATA5 protein (p.Ala356Thr). This variant is present in population databases (no rsID available, gnomAD 0.0009%). This variant has not been reported in the literature in individuals affected with GATA5-related conditions. Invitae Evidence Modeling of protein sequence and biophysical properties (such as structural, functional, and spatial information, amino acid conservation, physicochemical variation, residue mobility, and thermodynamic stability) indicates that this missense variant is not expected to disrupt GATA5 protein function with a negative predictive value of 80%. In summary, the available evidence is currently insufficient to determine the role of this variant in disease. Therefore, it has been classified as a Variant of Uncertain Significance.